The following is an entry in ClinVar:

ClinVar aggregate classification (germline): Conflicting classifications of pathogenicity. Review status: criteria provided, conflicting classifications (1 of 4 stars). 5 submissions from 5 submitters: Uncertain significance (1); Benign (1); Likely benign (3). Last evaluated 2026-01-01.

Conditions:
Hereditary cancer-predisposing syndrome. Also called: Tumor predisposition; Neoplastic Syndromes, Hereditary; Hereditary Cancer Syndrome; Hereditary neoplastic syndrome. Identifiers: Orphanet 140162, MedGen C0027672, MeSH D009386, MONDO:0015356.
Fanconi anemia complementation group J. Also called: BRIP1-Related Fanconi Anemia. Identifiers: Orphanet 84, MedGen C1836860, MONDO:0012187, OMIM 609054.
Familial cancer of breast. Also called: Hereditary breast cancer; hereditary breast carcinoma; BREAST CANCER, FAMILIAL. Identifiers: Orphanet 227535, MedGen C0346153, MONDO:0016419, OMIM 114480. Disease mechanism: loss of function.

Submissions (5):

CeGaT Center for Human Genetics Tuebingen
Classification: Uncertain significance. Last evaluated: 2026-01-01. Review status: criteria provided, single submitter. Criteria: CeGaT Center For Human Genetics Tuebingen Variant Classification Criteria Version 2. Collection method: clinical testing. Allele origin: germline. Affected: yes. Observed: 1 variant allele.
Comment: BRIP1: PM2, BP4

Myriad Genetics, Inc.
Classification: Benign for Familial cancer of breast. Last evaluated: 2024-08-29. Review status: criteria provided, single submitter. Criteria: Myriad Autosomal Dominant, Autosomal Recessive and X-Linked Classification Criteria (2023). Collection method: clinical testing. Allele origin: unknown.
Comment: This variant is considered benign. This variant is a silent/synonymous amino acid change and it is not expected to impact splicing.

Labcorp Genetics (formerly Invitae), Labcorp
Classification: Likely benign for Familial cancer of breast; Fanconi anemia complementation group J. Last evaluated: 2023-09-25. Review status: criteria provided, single submitter. Criteria: Invitae Variant Classification Sherloc (09022015). Collection method: clinical testing. Allele origin: germline.

Ambry Genetics
Classification: Likely benign for Hereditary cancer-predisposing syndrome. Last evaluated: 2021-09-06. Review status: criteria provided, single submitter. Criteria: Ambry Variant Classification Scheme 2023. Collection method: clinical testing. Allele origin: germline.

Color Diagnostics, LLC DBA Color Health
Classification: Likely benign for Hereditary cancer-predisposing syndrome. Last evaluated: 2018-11-26. Review status: criteria provided, single submitter. Criteria: ACMG Guidelines, 2015. Collection method: clinical testing. Allele origin: germline.

NM_032043.3(BRIP1):c.1761T>C (p.His587=)

Gene: BRIP1 (BRCA1 interacting DNA helicase 1; minus strand). Cytogenetic location: 17q23.2.
Variant type: single nucleotide variant.
Coding change: c.1761T>C on transcript NM_032043.3 (MANE Select); coding-DNA position 1761, T replaced by C.
Protein change: p.His587=; no amino-acid change (histidine 587 retained).
Molecular consequence: synonymous variant.
Genome position (GRCh38, 1-based): chr17:61,780,873, A>G on the plus strand (T>C on the coding strand, the complement: BRIP1 is on the minus strand). VCF-style: chr17-61780873-A-G. GRCh37 (hg19) VCF-style: chr17-59858234-A-G.
Identifiers: ClinVar variation 797315 (VCV000797315.20), dbSNP rs1603334313, ClinGen allele CA501150460.